The following is an entry in ClinVar:

ClinVar aggregate classification (germline): Pathogenic. Review status: criteria provided, multiple submitters, no conflicts (2 of 4 stars). 2 submissions from 2 submitters: Pathogenic (2). Last evaluated 2026-06-04.

Conditions:
Colorectal cancer, hereditary nonpolyposis, type 7. Identifiers: Orphanet 144, MedGen C1858380, MONDO:0013725, OMIM 614385.

Submissions (2):

Myriad Genetics, Inc.
Classification: Pathogenic for Colorectal cancer, hereditary nonpolyposis, type 7. Last evaluated: 2026-06-04. Review status: criteria provided, single submitter. Criteria: Myriad Autosomal Dominant, Autosomal Recessive and X-Linked Classification Criteria (2023). Collection method: clinical testing. Allele origin: unknown.
Comment: This variant is considered pathogenic. This variant creates a frameshift predicted to result in premature protein truncation.

Ambry Genetics
Classification: Pathogenic. Last evaluated: 2026-05-29. Review status: criteria provided, single submitter. Criteria: Ambry Variant Classification Scheme 2023. Collection method: clinical testing. Allele origin: germline.
Comment: The c.581_582delCT pathogenic mutation, located in coding exon 1 of the MLH3 gene, results from a deletion of two nucleotides at nucleotide positions 581 to 582, causing a translational frameshift with a predicted alternate stop codon (p.S194Wfs*9). This variant is considered to be rare based on population cohorts in the Genome Aggregation Database (gnomAD). This alteration is expected to result in loss of function by premature protein truncation or nonsense-mediated mRNA decay. As such, this alteration is interpreted as a disease-causing mutation.

NM_001040108.2(MLH3):c.581_582del (p.Ser194fs)

Gene: MLH3 (mutL homolog 3; minus strand). Cytogenetic location: 14q24.3.
Variant type: Deletion.
Coding change: c.581_582del on transcript NM_001040108.2 (MANE Select); coding-DNA positions 581 to 582, 2 bases deleted (CT; older notation c.581_582delCT).
Protein change: p.Ser194fs; shifts the reading frame from serine 194.
Molecular consequence: frameshift variant.
Genome position (GRCh38, 1-based): chr14:75,049,074-75,049,075, AG deleted on the plus strand (CT on the coding strand, the reverse complement: MLH3 is on the minus strand); deleting any 2 consecutive bases within chr14:75,049,074-75,049,076 gives the same sequence; the c. name uses the placement nearest the transcript's 3' end. VCF-style (leftmost placement, unchanged base first): chr14-75049073-CAG-C. GRCh37 (hg19) VCF-style: chr14-75515776-CAG-C.
Other names: c.581_582del, p.Ser194fs (NM_014381.3); c.581_582delCT (NM_001040108.1); short protein forms S194fs.
Identifiers: ClinVar variation 4552048 (VCV004552048.3).